The following is an entry in ClinVar:

ClinVar aggregate classification (germline): Uncertain significance. Review status: criteria provided, multiple submitters, no conflicts (2 of 4 stars). 2 submissions from 2 submitters: Uncertain significance (2). Last evaluated 2023-05-01.

Conditions:
Oculofaciocardiodental syndrome (MCOPS2). Identifiers: Orphanet 2712, MedGen C1846265, MONDO:0010261, OMIM 300166.

Allele frequency attached by ClinVar (database versions not stated): gnomAD exomes below 0.00001 and 0.00001.

Submissions (2):

CeGaT Center for Human Genetics Tuebingen
Classification: Uncertain significance. Last evaluated: 2023-05-01. Review status: criteria provided, single submitter. Criteria: CeGaT Center For Human Genetics Tuebingen Variant Classification Criteria Version 2. Collection method: clinical testing. Allele origin: germline. Affected: yes. Observed: 1 variant allele.
Comment: BCOR: PM2, BP4

Labcorp Genetics (formerly Invitae), Labcorp
Classification: Uncertain significance for Oculofaciocardiodental syndrome. Last evaluated: 2018-07-24. Review status: criteria provided, single submitter. Criteria: Invitae Variant Classification Sherloc (09022015). Collection method: clinical testing. Allele origin: germline.
Comment: In summary, the available evidence is currently insufficient to determine the role of this variant in disease. Therefore, it has been classified as a Variant of Uncertain Significance. Algorithms developed to predict the effect of missense changes on protein structure and function do not agree on the potential impact of this missense change (SIFT: "Deleterious"; PolyPhen-2: "Benign"; Align-GVGD: "Class C0"). This variant has not been reported in the literature in individuals with BCOR-related disease. This variant is not present in population databases (ExAC no frequency). This sequence change replaces valine with alanine at codon 160 of the BCOR protein (p.Val160Ala). The valine residue is highly conserved and there is a small physicochemical difference between valine and alanine.

NM_001123385.2(BCOR):c.479T>C (p.Val160Ala)

Genes: BCOR (BCL6 corepressor; minus strand), LOC126863239 (MED14-independent group 3 enhancer GRCh37_chrX:39932994-39934193; plus strand). Cytogenetic location: Xp11.4.
Variant type: single nucleotide variant.
Coding change: c.479T>C on transcript NM_001123385.2 (MANE Select); coding-DNA position 479, T replaced by C.
Protein change: p.Val160Ala; replaces valine 160 with alanine.
Molecular consequence: missense variant.
Genome position (GRCh38, 1-based): chrX:40,074,867, A>G on the plus strand (T>C on the coding strand, the complement: BCOR is on the minus strand). VCF-style: chrX-40074867-A-G. GRCh37 (hg19) VCF-style: chrX-39934120-A-G.
Other names: c.479T>C, p.Val160Ala (NM_001123383.2, NM_001123384.2, NM_017745.6); short protein forms V160A.
Identifiers: ClinVar variation 533716 (VCV000533716.34), dbSNP rs1459702445, ClinGen allele CA412748648.
Genomic context (GRCh38, chrX:40,074,867, plus strand): 5'-TTGAGAGGGCTCTGTTTGTCGCTGGCAGGCCTGTCCAAGCCCAGCGCTTCTGCTGTGGCT[A>G]CAGCACTTTTTTGTATTCCAGGCGGTGTTTTGTATATAGCACTGAAGCCATTTGGGGGTT-3'
Protein context (NP_001116857.1, residues 150-170): KTPPGIQKSA[Val160Ala]ATAEALGLDR